The following is an entry in ClinVar:

NM_001367624.2(ZNF469):c.6331G>A (p.Ala2111Thr)

Gene: ZNF469 (zinc finger protein 469; plus strand). Cytogenetic location: 16q24.2.
Variant type: single nucleotide variant.
Coding change: c.6331G>A on transcript NM_001367624.2 (MANE Select); coding-DNA position 6331, G replaced by A.
Protein change: p.Ala2111Thr; replaces alanine 2111 with threonine.
Molecular consequence: missense variant.
Genome position (GRCh38, 1-based): chr16:88,433,801, G>A. VCF-style: chr16-88433801-G-A. GRCh37 (hg19) VCF-style: chr16-88500209-G-A.
Other names: short protein forms A2111T.
Identifiers: ClinVar variation 4769526 (VCV004769526.1).

ClinVar aggregate classification (germline): Uncertain significance (1 of 4 stars; one submission).

gnomAD v4.1: 1 of 1,549,674 alleles (0.000065%); highest among the groups gnomAD compares: Non-Finnish European, 0.000087%; no homozygotes.

Submission:

Labcorp Genetics (formerly Invitae), Labcorp
Classification: Uncertain significance. Last evaluated: 2025-06-29. Review status: criteria provided, single submitter. Criteria: Invitae Variant Classification Sherloc (09022015). Collection method: clinical testing. Allele origin: germline.
Comment: This sequence change replaces alanine, which is neutral and non-polar, with threonine, which is neutral and polar, at codon 2083 of the ZNF469 protein (p.Ala2083Thr). This variant is not present in population databases (gnomAD no frequency). This variant has not been reported in the literature in individuals affected with ZNF469-related conditions. An algorithm developed to predict the effect of missense changes on protein structure and function outputs the following: PolyPhen-2: "Benign". The threonine amino acid residue is found in multiple mammalian species, which suggests that this missense change does not adversely affect protein function. In summary, the available evidence is currently insufficient to determine the role of this variant in disease. Therefore, it has been classified as a Variant of Uncertain Significance.